The following is an entry in ClinVar:

ClinVar aggregate classification (germline): Uncertain significance (1 of 4 stars; one submission).

Conditions:
Joubert syndrome 23 (JBTS23). Identifiers: Orphanet 475, MedGen C4084822, MONDO:0014664, OMIM 616490.
Short-rib thoracic dysplasia 14 with polydactyly (SRTD14). Identifiers: Orphanet 397715, MedGen C4225286, MONDO:0014688, OMIM 616546.

Allele frequency attached by ClinVar (database versions not stated): gnomAD exomes below 0.00001.
gnomAD v4.1: 2 of 1,610,218 alleles (0.00012%); highest among the groups gnomAD compares: Non-Finnish European, 0.00017%; no homozygotes.

Submission:

Labcorp Genetics (formerly Invitae), Labcorp
Classification: Uncertain significance for Joubert syndrome 23; Short-rib thoracic dysplasia 14 with polydactyly. Last evaluated: 2021-12-21. Review status: criteria provided, single submitter. Criteria: Invitae Variant Classification Sherloc (09022015). Collection method: clinical testing. Allele origin: germline.
Comment: In summary, the available evidence is currently insufficient to determine the role of this variant in disease. Therefore, it has been classified as a Variant of Uncertain Significance. Algorithms developed to predict the effect of missense changes on protein structure and function are either unavailable or do not agree on the potential impact of this missense change (SIFT: "Tolerated"; PolyPhen-2: "Possibly Damaging"; Align-GVGD: "Class C0"). This variant has not been reported in the literature in individuals affected with KIAA0586-related conditions. This variant is not present in population databases (gnomAD no frequency). This sequence change replaces glycine, which is neutral and non-polar, with valine, which is neutral and non-polar, at codon 1206 of the KIAA0586 protein (p.Gly1206Val).

NM_001329943.3(KIAA0586):c.3458G>T (p.Gly1153Val)

Gene: KIAA0586 (KIAA0586; plus strand). Cytogenetic location: 14q23.1.
Variant type: single nucleotide variant.
Coding change: c.3458G>T on transcript NM_001329943.3 (MANE Select); coding-DNA position 3458, G replaced by T.
Protein change: p.Gly1153Val; replaces glycine 1153 with valine.
Molecular consequence: missense variant.
Genome position (GRCh38, 1-based): chr14:58,488,040, G>T. VCF-style: chr14-58488040-G-T. GRCh37 (hg19) VCF-style: chr14-58954758-G-T.
Other names: c.3617G>T, p.Gly1206Val (NM_001244189.2); c.3413G>T, p.Gly1138Val (NM_001244190.2); c.3203G>T, p.Gly1068Val (NM_001244191.2, NM_001329945.2, NM_001364700.1 and 1 more transcripts); c.3326G>T, p.Gly1109Val (NM_001244192.2); c.3038G>T, p.Gly1013Val (NM_001244193.2); c.3458G>T, p.Gly1153Val (NM_001329944.2, NM_001329946.2, NM_001329947.2); c.3230G>T, p.Gly1077Val (NM_014749.5); short protein forms G1013V, G1068V, G1109V, G1138V, G1206V, G1077V, G1153V.
Identifiers: ClinVar variation 1431554 (VCV001431554.6), dbSNP rs2141194889, ClinGen allele CA389882078.